The following is an entry in ClinVar:

ClinVar aggregate classification (germline): Conflicting classifications of pathogenicity. Review status: criteria provided, conflicting classifications (1 of 4 stars). 2 submissions from 2 submitters: Likely pathogenic (1); Uncertain significance (1). Last evaluated 2023-06-09.

Conditions:
Niemann-Pick disease, type A. Also called: Infantile Neurovisceral ASMD (Niemann-Pick Disease Type A; NPD-A); SPHINGOMYELIN LIPIDOSIS; SPHINGOMYELINASE DEFICIENCY. Identifiers: Orphanet 77292, MedGen C0268242, MONDO:0009756, OMIM 257200. Disease mechanism: loss of function.
Niemann-Pick disease, type B. Also called: Chronic Visceral ASMD (Niemann-Pick Disease Type B; NPD-B). Identifiers: Orphanet 77293, MedGen C0268243, MONDO:0011871, OMIM 607616. Disease mechanism: loss of function.

Allele frequency attached by ClinVar (database versions not stated): gnomAD 0.00001; TOPMed 0.00001; ESP Exome Variant Server 0.00008.

Submissions (2):

Labcorp Genetics (formerly Invitae), Labcorp
Classification: Likely pathogenic for Niemann-Pick disease, type B; Niemann-Pick disease, type A. Last evaluated: 2023-06-09. Review status: criteria provided, single submitter. Criteria: Invitae Variant Classification Sherloc (09022015). Collection method: clinical testing. Allele origin: germline.
Comment: In summary, the currently available evidence indicates that the variant is pathogenic, but additional data are needed to prove that conclusively. Therefore, this variant has been classified as Likely Pathogenic. This variant disrupts the p.Pro430 amino acid residue in SMPD1. Other variant(s) that disrupt this residue have been determined to be pathogenic (PMID: 23356216; Invitae). This suggests that this residue is clinically significant, and that variants that disrupt this residue are likely to be disease-causing. Advanced modeling of protein sequence and biophysical properties (such as structural, functional, and spatial information, amino acid conservation, physicochemical variation, residue mobility, and thermodynamic stability) performed at Invitae indicates that this missense variant is expected to disrupt SMPD1 protein function. This variant has not been reported in the literature in individuals affected with SMPD1-related conditions. This variant is not present in population databases (gnomAD no frequency). This sequence change replaces proline, which is neutral and non-polar, with alanine, which is neutral and non-polar, at codon 430 of the SMPD1 protein (p.Pro430Ala).

Blueprint Genetics
Classification: Uncertain significance. Last evaluated: 2017-12-22. Review status: criteria provided, single submitter. Criteria: ACMG Guidelines, 2015. Collection method: clinical testing. Allele origin: germline.

Literature cited by the submitters: PubMed 23356216 (cited by Labcorp Genetics (formerly Invitae), Labcorp).

NM_000543.5(SMPD1):c.1288C>G (p.Pro430Ala)

Gene: SMPD1 (sphingomyelin phosphodiesterase 1; plus strand). Cytogenetic location: 11p15.4.
Variant type: single nucleotide variant.
Coding change: c.1288C>G on transcript NM_000543.5 (MANE Select); coding-DNA position 1288, C replaced by G.
Protein change: p.Pro430Ala; replaces proline 430 with alanine.
Molecular consequence: missense variant. On other transcripts: non-coding transcript variant (2).
Genome position (GRCh38, 1-based): chr11:6,393,641, C>G. VCF-style: chr11-6393641-C-G. GRCh37 (hg19) VCF-style: chr11-6414871-C-G.
Other names: c.1285C>G, p.Pro429Ala (NM_001007593.3); c.1288C>G, p.Pro430Ala (NM_001318087.2); c.367C>G, p.Pro123Ala (NM_001318088.2); c.1156C>G, p.Pro386Ala (NM_001365135.2); short protein forms P123A, P429A, P430A, P386A.
Identifiers: ClinVar variation 2938511 (VCV002938511.4), dbSNP rs140688153, ClinGen allele CA217301971.
Genomic context (GRCh38, chr11:6,393,641, plus strand): 5'-GATGCCCTGATTACCATCCTTAATTCTCCCTACTAGGTGCATATAATTGGCCACATTCCC[C>G]CAGGGCACTGTCTGAAGAGCTGGAGCTGGAATTATTACCGAATTGTAGCCAGGTAGGACG-3'
Protein context (NP_000534.3, residues 420-440): DKVHIIGHIP[Pro430Ala]GHCLKSWSWN